The following is an entry in ClinVar:

NM_018975.4(TERF2IP):c.527C>T (p.Ser176Leu)

Gene: TERF2IP (TERF2 interacting protein; plus strand). Cytogenetic location: 16q23.1.
Variant type: single nucleotide variant.
Coding change: c.527C>T on transcript NM_018975.4 (MANE Select); coding-DNA position 527, C replaced by T.
Protein change: p.Ser176Leu; replaces serine 176 with leucine.
Molecular consequence: missense variant. On other transcripts: non-coding transcript variant (1).
Genome position (GRCh38, 1-based): chr16:75,648,409, C>T. VCF-style: chr16-75648409-C-T. GRCh37 (hg19) VCF-style: chr16-75682307-C-T.
Other names: short protein forms S176L.
Identifiers: ClinVar variation 2625593 (VCV002625593.2), dbSNP rs2507074644, ClinGen allele CA396818097.

ClinVar aggregate classification (germline): Uncertain significance (1 of 4 stars; one submission).

Submission:

Ambry Genetics
Classification: Uncertain significance. Last evaluated: 2023-08-13. Review status: criteria provided, single submitter. Criteria: Ambry Variant Classification Scheme 2023. Collection method: clinical testing. Allele origin: germline.
Comment: The p.S176L variant (also known as c.527C>T), located in coding exon 1 of the TERF2IP gene, results from a C to T substitution at nucleotide position 527. The serine at codon 176 is replaced by leucine, an amino acid with dissimilar properties. This amino acid position is conserved. In addition, the in silico prediction for this alteration is inconclusive. Since supporting evidence is limited at this time, the clinical significance of this alteration remains unclear.